The following is an entry in ClinVar:

ClinVar aggregate classification (germline): Uncertain significance (1 of 4 stars; one submission).

Conditions:
Shukla-Vernon syndrome. Identifiers: MedGen C5193146, MONDO:0026727, OMIM 301029.

gnomAD v4.1: 12 of 982,486 alleles (0.0012%); highest among the groups gnomAD compares: South Asian, 0.002%; no homozygotes.

Submission:

Pittsburgh Clinical Genomics Laboratory, University of Pittsburgh Medical Center
Classification: Uncertain significance for Shukla-Vernon syndrome. Last evaluated: 2023-12-29. Review status: criteria provided, single submitter. Criteria: ACMG Guidelines, 2015. Collection method: clinical testing. Allele origin: germline. Inheritance: X-linked recessive inheritance. Affected: yes.
Comment: This sequence variant is a single nucleotide substitution (C>T) at position 4315 of the coding sequence of the BCORL1 gene that results in an arginine to cysteine amino acid change at residue 1439 of the BCL6 corepressor like 1 protein. This variant is absent from ClinVar and has not been observed in an individual with a BCORL1-related disorder in the published literature, to our knowledge. This variant is absent from the gnomAD population database (0 of approximately 111,000 alleles). Bioinformatic tools provide conflicting predictions concerning the impact of this arginine to cysteine amino acid change, and the Arg1439 residue at this position is moderately conserved across the vertebrate species examined. Studies examining the functional consequence of this variant have not been published, to our knowledge. At this time, there is insufficient evidence to determine if this variant is pathogenic or benign. Therefore, we consider this a variant of uncertain significance. ACMG Criteria: PM2

NM_001379451.1(BCORL1):c.4315C>T (p.Arg1439Cys)

Gene: BCORL1 (BCL6 corepressor like 1; plus strand). Cytogenetic location: Xq26.1.
Variant type: single nucleotide variant.
Coding change: c.4315C>T on transcript NM_001379451.1 (MANE Select); coding-DNA position 4315, C replaced by T.
Protein change: p.Arg1439Cys; replaces arginine 1439 with cysteine.
Molecular consequence: missense variant. On other transcripts: intron variant (1).
Genome position (GRCh38, 1-based): chrX:130,034,464, C>T. VCF-style: chrX-130034464-C-T. GRCh37 (hg19) VCF-style: chrX-129168439-C-T.
Other names: c.4315C>T, p.Arg1439Cys (NM_001184772.3, NM_001379450.1); c.4306-2903C>T (NM_021946.5); short protein forms R1439C.
Identifiers: ClinVar variation 3376390 (VCV003376390.1).